The following is an entry in ClinVar:

NM_031935.3(HMCN1):c.1504G>C (p.Val502Leu)

Gene: HMCN1 (hemicentin 1; plus strand). Cytogenetic location: 1q31.1.
Variant type: single nucleotide variant.
Coding change: c.1504G>C on transcript NM_031935.3 (MANE Select); coding-DNA position 1504, G replaced by C.
Protein change: p.Val502Leu; replaces valine 502 with leucine.
Molecular consequence: missense variant.
Genome position (GRCh38, 1-based): chr1:185,928,619, G>C. VCF-style: chr1-185928619-G-C. GRCh37 (hg19) VCF-style: chr1-185897751-G-C.
Other names: short protein forms V502L.
Identifiers: ClinVar variation 4713075 (VCV004713075.1).

ClinVar aggregate classification (germline): Uncertain significance (1 of 4 stars; one submission).

Submission:

Labcorp Genetics (formerly Invitae), Labcorp
Classification: Uncertain significance. Last evaluated: 2025-04-10. Review status: criteria provided, single submitter. Criteria: Invitae Variant Classification Sherloc (09022015). Collection method: clinical testing. Allele origin: germline.
Comment: This sequence change replaces valine, which is neutral and non-polar, with leucine, which is neutral and non-polar, at codon 502 of the HMCN1 protein (p.Val502Leu). This variant is not present in population databases (gnomAD no frequency). This variant has not been reported in the literature in individuals affected with HMCN1-related conditions. An algorithm developed to predict the effect of missense changes on protein structure and function outputs the following: PolyPhen-2: "Benign". The leucine amino acid residue is found in multiple mammalian species, which suggests that this missense change does not adversely affect protein function. In summary, the available evidence is currently insufficient to determine the role of this variant in disease. Therefore, it has been classified as a Variant of Uncertain Significance.